The following is an entry in ClinVar:

NM_025137.4(SPG11):c.3809T>A (p.Val1270Asp)

Gene: SPG11 (SPG11 vesicle trafficking associated, spatacsin; minus strand). Cytogenetic location: 15q21.1.
Variant type: single nucleotide variant.
Coding change: c.3809T>A on transcript NM_025137.4 (MANE Select); coding-DNA position 3809, T replaced by A.
Protein change: p.Val1270Asp; replaces valine 1270 with aspartic acid.
Molecular consequence: missense variant.
Genome position (GRCh38, 1-based): chr15:44,598,714, A>T on the plus strand (T>A on the coding strand, the complement: SPG11 is on the minus strand). VCF-style: chr15-44598714-A-T. GRCh37 (hg19) VCF-style: chr15-44890912-A-T.
Other names: c.3809T>A, p.Val1270Asp (NM_001160227.2); short protein forms V1270D.
Identifiers: ClinVar variation 660966 (VCV000660966.11), dbSNP rs1555451521, ClinGen allele CA392230098.
Genomic context (GRCh38, chr15:44,598,714, plus strand): 5'-TACTGAGCATCTTCATTTCTGCACTTGTAGCTCAAAATTATATTGGCCACTTTCATATCA[A>T]CTCTGAGCTTGAGGCTGTCAAGGCCAAGCAATTCTAAGAAACAAACACATGCAGCTCCTA-3'
Protein context (NP_079413.3, residues 1260-1280): LLGLDSLKLR[Val1270Asp]DMKVANIILS

ClinVar aggregate classification (germline): Pathogenic/Likely pathogenic. Review status: criteria provided, multiple submitters, no conflicts (2 of 4 stars). 4 submissions from 4 submitters: Pathogenic (2); Likely pathogenic (2). Last evaluated 2024-12-05.

Conditions:
Amyotrophic lateral sclerosis type 5 (ALS5). Also called: AMYOTROPHIC LATERAL SCLEROSIS 5, JUVENILE. Identifiers: Orphanet 300605, MedGen C1865864, MONDO:0011196, OMIM 602099.
Hereditary spastic paraplegia 11. Also called: Spastic paraplegia, mental retardation and thin corpus callosum; Nakamura Osame syndrome; Autosomal recessive hereditary spastic paraplegia, mental impairment, and thin corpus callosum; SPASTIC PARAPLEGIA, AUTOSOMAL RECESSIVE, COMPLICATED, WITH THIN CORPUS CALLOSUM; SPASTIC PARAPLEGIA, AUTOSOMAL RECESSIVE, WITH MENTAL IMPAIRMENT AND THIN CORPUS CALLOSUM; Spastic Paraplegia 11. Identifiers: Orphanet 2822, MedGen C1858479, MONDO:0011445, OMIM 604360.
Hereditary spastic paraplegia. Also called: Familial spastic paraparesis. Identifiers: Orphanet 685, MedGen C0037773, MONDO:0019064. Disease mechanism: loss of function.

gnomAD v4.1: 1 of 1,614,118 alleles (0.000062%); highest among the groups gnomAD compares: Non-Finnish European, 0.000085%; no homozygotes.

Submissions (4):

Women's Health and Genetics/Laboratory Corporation of America, LabCorp
Classification: Pathogenic for Hereditary spastic paraplegia. Last evaluated: 2024-12-05. Review status: criteria provided, single submitter. Criteria: LabCorp Variant Classification Summary - May 2015. Collection method: clinical testing. Allele origin: germline.
Comment: Variant summary: SPG11 c.3809T>A (p.Val1270Asp) results in a non-conservative amino acid change in the encoded protein sequence. Five of five in-silico tools predict a damaging effect of the variant on protein function. The variant was absent in 251286 control chromosomes. c.3809T>A has been reported in the presumed compound heterozygous state and homozygous state in the literature in multiple individuals affected with Hereditary Spastic Paraplegia, Type 11 (example, Faber_2018, Kara_2016), including at least 2 families where it segregated with disease. These data indicate that the variant is very likely to be associated with disease. To our knowledge, no experimental evidence demonstrating an impact on protein function has been reported. The following publications have been ascertained in the context of this evaluation (PMID: 29946510, 27217339). ClinVar contains an entry for this variant (Variation ID: 660966). Based on the evidence outlined above, the variant was classified as pathogenic.

Labcorp Genetics (formerly Invitae), Labcorp
Classification: Pathogenic for Hereditary spastic paraplegia 11. Last evaluated: 2022-05-27. Review status: criteria provided, single submitter. Criteria: Invitae Variant Classification Sherloc (09022015). Collection method: clinical testing. Allele origin: germline.
Comment: For these reasons, this variant has been classified as Pathogenic. Algorithms developed to predict the effect of missense changes on protein structure and function are either unavailable or do not agree on the potential impact of this missense change (SIFT: "Deleterious"; PolyPhen-2: "Possibly Damaging"; Align-GVGD: "Class C15"). ClinVar contains an entry for this variant (Variation ID: 660966). This missense change has been observed in individuals with clinical features of SPG11-related conditions and/or hereditary spastic paraplegia (PMID: 22237444, 27217339, 29946510, 33624863). It has also been observed to segregate with disease in related individuals. This variant is not present in population databases (gnomAD no frequency). This sequence change replaces valine, which is neutral and non-polar, with aspartic acid, which is acidic and polar, at codon 1270 of the SPG11 protein (p.Val1270Asp).

Mendelics
Classification: Likely pathogenic for Amyotrophic lateral sclerosis type 5. Last evaluated: 2022-05-04. Review status: criteria provided, single submitter. Criteria: Mendelics Assertion Criteria 2019. Collection method: clinical testing. Allele origin: germline.

Institute for Medical Genetics and Human Genetics, Charité - Universitätsmedizin Berlin
Classification: Likely pathogenic for Hereditary spastic paraplegia 11. Review status: criteria provided, single submitter. Criteria: ACMG Guidelines, 2015. Collection method: not provided. Allele origin: germline. Inheritance: Autosomal recessive inheritance. Affected: yes.

Literature cited by the submitters: PubMed 27217339 (cited by Women's Health and Genetics/Laboratory Corporation of America, LabCorp and Labcorp Genetics (formerly Invitae), Labcorp); PubMed 29946510 (cited by Women's Health and Genetics/Laboratory Corporation of America, LabCorp and Labcorp Genetics (formerly Invitae), Labcorp); PubMed 22237444 (cited by Labcorp Genetics (formerly Invitae), Labcorp); PubMed 33624863 (cited by Labcorp Genetics (formerly Invitae), Labcorp).